The following is an entry in ClinVar:

ClinVar aggregate classification (germline): Uncertain significance (1 of 4 stars; one submission).

Conditions:
Propionic acidemia (PROP). Also called: GLYCINEMIA, KETOTIC; HYPERGLYCINEMIA WITH KETOACIDOSIS AND LEUKOPENIA; KETOTIC HYPERGLYCINEMIA. Identifiers: Orphanet 35, MedGen C0268579, MONDO:0011628, OMIM 606054, HP:0003571.

Submission:

Labcorp Genetics (formerly Invitae), Labcorp
Classification: Uncertain significance for Propionic acidemia. Last evaluated: 2022-04-25. Review status: criteria provided, single submitter. Criteria: Invitae Variant Classification Sherloc (09022015). Collection method: clinical testing. Allele origin: germline.
Comment: This variant is not present in population databases (gnomAD no frequency). In summary, the available evidence is currently insufficient to determine the role of this variant in disease. Therefore, it has been classified as a Variant of Uncertain Significance. Advanced modeling of protein sequence and biophysical properties (such as structural, functional, and spatial information, amino acid conservation, physicochemical variation, residue mobility, and thermodynamic stability) performed at Invitae indicates that this missense variant is expected to disrupt PCCA protein function. This variant has not been reported in the literature in individuals affected with PCCA-related conditions. This sequence change replaces valine, which is neutral and non-polar, with alanine, which is neutral and non-polar, at codon 376 of the PCCA protein (p.Val376Ala).

NM_000282.4(PCCA):c.1127T>C (p.Val376Ala)

Gene: PCCA (propionyl-CoA carboxylase subunit alpha; plus strand). Cytogenetic location: 13q32.3.
Variant type: single nucleotide variant.
Coding change: c.1127T>C on transcript NM_000282.4 (MANE Select); coding-DNA position 1127, T replaced by C.
Protein change: p.Val376Ala; replaces valine 376 with alanine.
Molecular consequence: missense variant. On other transcripts: non-coding transcript variant (5), intron variant (3).
Genome position (GRCh38, 1-based): chr13:100,301,521, T>C. VCF-style: chr13-100301521-T-C. GRCh37 (hg19) VCF-style: chr13-100953775-T-C.
Other names: c.1049T>C, p.Val350Ala (NM_001127692.3, NM_001352607.2); c.1127T>C, p.Val376Ala (NM_001178004.2, NM_001352605.2, NM_001352609.2); c.182T>C, p.Val61Ala (NM_001352610.2, NM_001352611.2); c.1066-1403T>C (NM_001352606.2); c.121-1403T>C (NM_001352612.2); c.988-1403T>C (NM_001352608.2); short protein forms V350A, V61A, V376A.
Identifiers: ClinVar variation 2130507 (VCV002130507.4), dbSNP rs2548113208, ClinGen allele CA388695227.